The following is an entry in ClinVar:

NM_000135.4(FANCA):c.896_897delinsCT (p.Phe299Ser)

Gene: FANCA (FA complementation group A; minus strand). Cytogenetic location: 16q24.3.
Variant type: Indel.
Coding change: c.896_897delinsCT on transcript NM_000135.4 (MANE Select); coding-DNA positions 896 to 897, TC replaced by CT.
Protein change: p.Phe299Ser; replaces phenylalanine 299 with serine.
Molecular consequence: missense variant.
Genome position (GRCh38, 1-based): chr16:89,796,015-89,796,016, GA replaced by AG on the plus strand (TC replaced by CT on the coding strand, the reverse complement: FANCA is on the minus strand). VCF-style: chr16-89796015-GA-AG. GRCh37 (hg19) VCF-style: chr16-89862423-GA-AG.
Other names: c.896_897delinsCT, p.Phe299Ser (NM_001286167.3); short protein forms F299S.
Identifiers: ClinVar variation 1419231 (VCV001419231.5), dbSNP rs2040234249, ClinGen allele CA2241928566.

ClinVar aggregate classification (germline): Uncertain significance (1 of 4 stars; one submission).

Conditions:
Fanconi anemia (FA). Also called: Fanconi's anemia. Identifiers: Orphanet 84, MedGen C0015625, MeSH D005199, MONDO:0019391.

Submission:

Labcorp Genetics (formerly Invitae), Labcorp
Classification: Uncertain significance for Fanconi anemia. Last evaluated: 2022-05-12. Review status: criteria provided, single submitter. Criteria: Invitae Variant Classification Sherloc (09022015). Collection method: clinical testing. Allele origin: germline.
Comment: This sequence change replaces phenylalanine, which is neutral and non-polar, with serine, which is neutral and polar, at codon 299 of the FANCA protein (p.Phe299Ser). The frequency data for this variant in the population databases is considered unreliable, as metrics indicate poor data quality at this position in the gnomAD database. This variant has not been reported in the literature in individuals affected with FANCA-related conditions. Algorithms developed to predict the effect of missense changes on protein structure and function are either unavailable or do not agree on the potential impact of this missense change (SIFT: "Not Available"; PolyPhen-2: "Benign"; Align-GVGD: "Not Available"). In summary, the available evidence is currently insufficient to determine the role of this variant in disease. Therefore, it has been classified as a Variant of Uncertain Significance.